The following is an entry in ClinVar:

ClinVar aggregate classification (germline): Uncertain significance (1 of 4 stars; one submission).

Allele frequency attached by ClinVar (database versions not stated): TOPMed below 0.00001; gnomAD 0.00001.
gnomAD v4.1: 1 of 1,613,878 alleles (0.000062%); no homozygotes.

Submission:

Labcorp Genetics (formerly Invitae), Labcorp
Classification: Uncertain significance. Last evaluated: 2020-12-25. Review status: criteria provided, single submitter. Criteria: Invitae Variant Classification Sherloc (09022015). Collection method: clinical testing. Allele origin: germline.
Comment: In summary, the available evidence is currently insufficient to determine the role of this variant in disease. Therefore, it has been classified as a Variant of Uncertain Significance. Algorithms developed to predict the effect of missense changes on protein structure and function (SIFT, PolyPhen-2, Align-GVGD) all suggest that this variant is likely to be tolerated, but these predictions have not been confirmed by published functional studies and their clinical significance is uncertain. This variant has not been reported in the literature in individuals with AGBL5-related conditions. This variant is not present in population databases (ExAC no frequency). This sequence change replaces valine with methionine at codon 136 of the AGBL5 protein (p.Val136Met). The valine residue is moderately conserved and there is a small physicochemical difference between valine and methionine.

NM_021831.6(AGBL5):c.406G>A (p.Val136Met)

Gene: AGBL5 (AGBL carboxypeptidase 5; plus strand). Cytogenetic location: 2p23.3.
Variant type: single nucleotide variant.
Coding change: c.406G>A on transcript NM_021831.6 (MANE Select); coding-DNA position 406, G replaced by A.
Protein change: p.Val136Met; replaces valine 136 with methionine.
Molecular consequence: missense variant. On other transcripts: non-coding transcript variant (2).
Genome position (GRCh38, 1-based): chr2:27,053,914, G>A. VCF-style: chr2-27053914-G-A. GRCh37 (hg19) VCF-style: chr2-27276782-G-A.
Other names: c.406G>A, p.Val136Met (NM_001035507.3); short protein forms V136M.
Identifiers: ClinVar variation 1359913 (VCV001359913.8), dbSNP rs1446150684, ClinGen allele CA346170886.